The following is an entry in ClinVar:

NM_001041.4(SI):c.3335A>C (p.Tyr1112Ser)

Gene: SI (sucrase-isomaltase; minus strand). Cytogenetic location: 3q26.1.
Variant type: single nucleotide variant.
Coding change: c.3335A>C on transcript NM_001041.4 (MANE Select); coding-DNA position 3335, A replaced by C.
Protein change: p.Tyr1112Ser; replaces tyrosine 1112 with serine.
Molecular consequence: missense variant.
Genome position (GRCh38, 1-based): chr3:165,019,690, T>G on the plus strand (A>C on the coding strand, the complement: SI is on the minus strand). VCF-style: chr3-165019690-T-G. GRCh37 (hg19) VCF-style: chr3-164737478-T-G.
Other names: short protein forms Y1112S.
Identifiers: ClinVar variation 3603032 (VCV003603032.1).
Genomic context (GRCh38, chr3:165,019,690, plus strand): 5'-CCCCAAGTATTCCAGTTCAGATCTCGCTTAAATGCTGTATGTTCCACTTCCCCAAAACCA[T>G]ATATATATTCTGATGGCAGGCGAGTCGATATTTGAATGAACTGGTCATTAAAAGCAAATC-3'
Protein context (NP_001032.2, residues 1102-1122): ISTRLPSEYI[Tyr1112Ser]GFGEVEHTAF

ClinVar aggregate classification (germline): Uncertain significance (1 of 4 stars; one submission).

gnomAD v4.1: 2 of 1,611,576 alleles (0.00012%); highest among the groups gnomAD compares: Non-Finnish European, 0.00017%; no homozygotes.

Submission:

GeneDx
Classification: Uncertain significance. Last evaluated: 2024-08-04. Review status: criteria provided, single submitter. Criteria: GeneDx Variant Classification Process June 2021. Collection method: clinical testing. Allele origin: germline. Affected: yes.
Comment: Not observed at significant frequency in large population cohorts (gnomAD); In silico analysis supports that this missense variant has a deleterious effect on protein structure/function; Has not been previously published as pathogenic or benign to our knowledge